The following is an entry in ClinVar:

NM_001792.5(CDH2):c.757A>G (p.Ile253Val)

Gene: CDH2 (cadherin 2; minus strand). Cytogenetic location: 18q12.1.
Variant type: single nucleotide variant.
Coding change: c.757A>G on transcript NM_001792.5 (MANE Select); coding-DNA position 757, A replaced by G.
Protein change: p.Ile253Val; replaces isoleucine 253 with valine.
Molecular consequence: missense variant.
Genome position (GRCh38, 1-based): chr18:28,005,939, T>C on the plus strand (A>G on the coding strand, the complement: CDH2 is on the minus strand). VCF-style: chr18-28005939-T-C. GRCh37 (hg19) VCF-style: chr18-25585903-T-C.
Other names: c.757A>G (NM_001792.3); c.664A>G, p.Ile222Val (NM_001308176.2); short protein forms I222V, I253V.
Identifiers: ClinVar variation 1408466 (VCV001408466.9), dbSNP rs751897139, ClinGen allele CA8923604.
Genomic context (GRCh38, chr18:28,005,939, plus strand): 5'-TCCAAACCTGGTGTAAGAACTCAGGTCTGTTGTCATTCATGTCAATAACATTGATGACAA[T>C]GTCAATGGGGTTCTCCACTTGATTTCCATTAATATCTACTGCATGTGCCCTCAACTGCAA-3'
Protein context (NP_001783.2, residues 243-263): NGNQVENPID[Ile253Val]VINVIDMNDN

ClinVar aggregate classification (germline): Uncertain significance. Review status: criteria provided, multiple submitters, no conflicts (2 of 4 stars). 2 submissions from 2 submitters: Uncertain significance (2). Last evaluated 2026-05-17.

Conditions:
Inborn genetic diseases. Identifiers: MedGen C0950123, MeSH D030342.

Allele frequency attached by ClinVar (database versions not stated): gnomAD exomes below 0.00001; TOPMed 0.00001; ExAC 0.00001.
gnomAD v4.1: 2 of 1,611,506 alleles (0.00012%); highest among the groups gnomAD compares: African/African-American, 0.0013%; no homozygotes.

Submissions (2):

Ambry Genetics
Classification: Uncertain significance for Inborn genetic diseases. Last evaluated: 2026-05-17. Review status: criteria provided, single submitter. Criteria: Ambry Variant Classification Scheme 2023. Collection method: clinical testing. Allele origin: germline.
Comment: The p.I253V variant (also known as c.757A>G), located in coding exon 6 of the CDH2 gene, results from an A to G substitution at nucleotide position 757. The isoleucine at codon 253 is replaced by valine, an amino acid with highly similar properties. This amino acid position is conserved. In addition, this alteration is predicted to be tolerated by in silico analysis. Based on the available evidence, the clinical significance of this variant remains unclear.

Labcorp Genetics (formerly Invitae), Labcorp
Classification: Uncertain significance. Last evaluated: 2023-03-09. Review status: criteria provided, single submitter. Criteria: Invitae Variant Classification Sherloc (09022015). Collection method: clinical testing. Allele origin: germline.
Comment: This variant has not been reported in the literature in individuals affected with CDH2-related conditions. This variant is present in population databases (rs751897139, gnomAD 0.003%). This sequence change replaces isoleucine, which is neutral and non-polar, with valine, which is neutral and non-polar, at codon 253 of the CDH2 protein (p.Ile253Val). ClinVar contains an entry for this variant (Variation ID: 1408466). In summary, the available evidence is currently insufficient to determine the role of this variant in disease. Therefore, it has been classified as a Variant of Uncertain Significance. An algorithm developed to predict the effect of missense changes on protein structure and function (PolyPhen-2) suggests that this variant is likely to be tolerated.